The following is an entry in ClinVar:

ClinVar aggregate classification (germline): Uncertain significance (1 of 4 stars; one submission).

Submission:

Ambry Genetics
Classification: Uncertain significance. Last evaluated: 2025-10-10. Review status: criteria provided, single submitter. Criteria: Ambry Variant Classification Scheme 2023. Collection method: clinical testing. Allele origin: germline.
Comment: The p.E637G variant (also known as c.1910A>G), located in coding exon 13 of the GEN1 gene, results from an A to G substitution at nucleotide position 1910. The glutamic acid at codon 637 is replaced by glycine, an amino acid with similar properties. This amino acid position is conserved. In addition, this alteration is predicted to be tolerated by in silico analysis. Based on the available evidence, the clinical significance of this variant remains unclear.

NM_001130009.3(GEN1):c.1910A>G (p.Glu637Gly)

Gene: GEN1 (GEN1 structure-specific endonuclease; plus strand). Cytogenetic location: 2p24.2.
Variant type: single nucleotide variant.
Coding change: c.1910A>G on transcript NM_001130009.3 (MANE Select); coding-DNA position 1910, A replaced by G.
Protein change: p.Glu637Gly; replaces glutamic acid 637 with glycine.
Molecular consequence: missense variant.
Genome position (GRCh38, 1-based): chr2:17,781,122, A>G. VCF-style: chr2-17781122-A-G. GRCh37 (hg19) VCF-style: chr2-17962389-A-G.
Other names: c.1910A>G, p.Glu637Gly (NM_182625.5); short protein forms E637G.
Identifiers: ClinVar variation 4671465 (VCV004671465.1).